The following is an entry in ClinVar:

NM_000628.5(IL10RB):c.49+40G>A

Genes: IFNAR2-IL10RB (IFNAR2-IL10RB readthrough; plus strand), IL10RB (interleukin 10 receptor subunit beta; plus strand), LOC130066558 (ATAC-STARR-seq lymphoblastoid silent region 13254; plus strand). Cytogenetic location: 21q22.11.
Variant type: single nucleotide variant.
Coding change: c.49+40G>A on transcript NM_000628.5 (MANE Select); 40 bases into the intron after coding-DNA position 49, G replaced by A.
Molecular consequence: intron variant.
Genome position (GRCh38, 1-based): chr21:33,266,554, G>A. VCF-style: chr21-33266554-G-A. GRCh37 (hg19) VCF-style: chr21-34638859-G-A.
Other names: c.710-1840G>A (NM_001414505.1); c.49+40G>A (NM_001405849.1, NM_001405850.1, NM_001406840.1).
Identifiers: ClinVar variation 2628110 (VCV002628110.2), dbSNP rs2239573, ClinGen allele CA10006043.
Genomic context (GRCh38, chr21:33,266,554, plus strand): 5'-GTGGCTGCCTGCTGGTGTCAGGTGAGGGGTCCGCGGGGAGGGGGCGCGCTTGGGAACCGG[G>A]AGGCCCCGCGAGATGCCGCCCCTGATCCCATCCCTGGGCGCCCTGCAAGTGACTTAAGAG-3'

ClinVar aggregate classification (germline): Benign (1 of 4 stars; one submission).

Allele frequency attached by ClinVar (database versions not stated): 1000 Genomes Project 30x 0.61587; 1000 Genomes Project 0.61981; TOPMed 0.62379; gnomAD 0.63825; ESP Exome Variant Server 0.66732; ExAC 0.67682; gnomAD exomes 0.69605.
gnomAD v4.1: 1,059,219 of 1,535,164 alleles (69%); highest among the groups gnomAD compares: East Asian, 75%; 368,399 homozygotes.

Submission:

Unidad de Genómica Garrahan, Hospital de Pediatría Garrahan
Classification: Benign. Last evaluated: 2023-11-12. Review status: criteria provided, single submitter. Criteria: ACMG Guidelines, 2015. Collection method: clinical testing. Allele origin: germline. Affected: no. Observed: 79 variant alleles.
Comment: This variant is classified as Benign based on local population frequency. This variant was detected in 82% of patients studied by a panel of primary immunodeficiencies. Number of patients: 79. Only high quality variants are reported.